The following is an entry in ClinVar:

ClinVar aggregate classification (germline): Uncertain significance (1 of 4 stars; one submission).

Conditions:
Hereditary cancer-predisposing syndrome. Also called: Tumor predisposition; Hereditary Cancer Syndrome; Neoplastic Syndromes, Hereditary; Hereditary neoplastic syndrome. Identifiers: Orphanet 140162, MedGen C0027672, MeSH D009386, MONDO:0015356.

Submission:

Molecular Diagnostics Laboratory, Catalan Institute of Oncology
Classification: Uncertain significance for Hereditary cancer-predisposing syndrome. Last evaluated: 2024-10-17. Review status: criteria provided, single submitter. Criteria: ClinGen ACMG Specifications PALB2 V1.0.0. Collection method: clinical testing. Allele origin: germline.
Comment: PM2_Supporting, BP1 c.524G>C, located in exon 4 of the PALB2 gene, is predicted to result in the substitution of arginine by threonine at codon 175, p.(Arg175Thr). This is a missense variant outside a (potentially) clinically important functional domain (BP1). It is not present in the population database gnomAD v2.1.1, non-cancer dataset (PM2_supporting). The SpliceAI algorithm predicts no significant impact on splicing and the REVEL meta-predictor score for this variant (0.151) suggests that it does not affect the protein function. To our knowledge, neither relevant clinical data nor well-established functional studies have been reported for this variant. This variant has not been reported in the ClinVar database or LOVD. Based on currently available information, the variant c.524G>C should be considered an uncertain significance variant, according to ClinGen Hereditary Breast, Ovarian and Pancreatic Cancer Expert Panel Specifications to the ACMG/AMP Variant Interpretation Guidelines for PALB2 Version 1.0.0

NM_024675.4(PALB2):c.524G>C (p.Arg175Thr)

Gene: PALB2 (partner and localizer of BRCA2; minus strand). Cytogenetic location: 16p12.2.
Variant type: single nucleotide variant.
Coding change: c.524G>C on transcript NM_024675.4 (MANE Select); coding-DNA position 524, G replaced by C.
Protein change: p.Arg175Thr; replaces arginine 175 with threonine.
Molecular consequence: missense variant. On other transcripts: 5 prime UTR variant (8), intron variant (3).
Genome position (GRCh38, 1-based): chr16:23,636,022, C>G on the plus strand (G>C on the coding strand, the complement: PALB2 is on the minus strand). VCF-style: chr16-23636022-C-G. GRCh37 (hg19) VCF-style: chr16-23647343-C-G.
Other names: c.464G>C, p.Arg155Thr (NM_001407296.1); c.524G>C, p.Arg175Thr (NM_001407297.1, NM_001407298.1, NM_001407299.1 and 3 more transcripts); c.-362G>C (NM_001407304.1, NM_001407305.1, NM_001407306.1 and 5 more transcripts); c.48+5088G>C (NM_001407314.1); c.-105+5088G>C (NM_001407313.1, NM_001407312.1); short protein forms R155T, R175T.
Identifiers: ClinVar variation 3774410 (VCV003774410.1).